The following is an entry in ClinVar:

NM_000288.4(PEX7):c.490T>C (p.Ser164Pro)

Gene: PEX7 (peroxisomal biogenesis factor 7; plus strand). Cytogenetic location: 6q23.3.
Variant type: single nucleotide variant.
Coding change: c.490T>C on transcript NM_000288.4 (MANE Select); coding-DNA position 490, T replaced by C.
Protein change: p.Ser164Pro; replaces serine 164 with proline.
Molecular consequence: missense variant.
Genome position (GRCh38, 1-based): chr6:136,846,145, T>C. VCF-style: chr6-136846145-T-C. GRCh37 (hg19) VCF-style: chr6-137167283-T-C.
Other names: short protein forms S164P.
Identifiers: ClinVar variation 551877 (VCV000551877.3), dbSNP rs62653607, ClinGen allele CA148643379.

ClinVar aggregate classification (germline): Uncertain significance. Review status: criteria provided, single submitter (1 of 4 stars). 2 submissions from 2 submitters: Uncertain significance (1). 1 of the submissions does not count toward it. Last evaluated 2023-09-06.

Conditions:
Rhizomelic chondrodysplasia punctata type 1 (RCDP1). Also called: PEROXISOME BIOGENESIS DISORDER 9; PEX7-Related Rhizomelic Chondrodysplasia Punctata; CHONDRODYSTROPHIA CALCIFICANS PUNCTATA. Identifiers: Orphanet 177, Orphanet 309789, MedGen C1859133, MONDO:0008972, OMIM 215100. Disease mechanism: loss of function.

Submissions (2):

Women's Health and Genetics/Laboratory Corporation of America, LabCorp
Classification: Uncertain significance. Last evaluated: 2023-09-06. Review status: criteria provided, single submitter. Criteria: LabCorp Variant Classification Summary - May 2015. Collection method: clinical testing. Allele origin: germline.
Comment: Variant summary: PEX7 c.490T>C (p.Ser164Pro) results in a non-conservative amino acid change in the encoded protein sequence. Five of five in-silico tools predict a damaging effect of the variant on protein function. The variant was absent in 251256 control chromosomes. c.490T>C has been reported in the literature in individuals affected with Rhizomelic Chondrodysplasia Punctata Type 1 (Braverman_2002). These data indicate that the variant may be associated with disease. To our knowledge, no experimental evidence demonstrating an impact on protein function has been reported. The following publication have been ascertained in the context of this evaluation (PMID: 12325024). One submitter has cited clinical-significance assessments for this variant to ClinVar after 2014 and has classified the variant as uncertain significance. Based on the evidence outlined above, the variant was classified as VUS-possibly pathogenic.

Counsyl
Classification: Uncertain significance for Rhizomelic chondrodysplasia punctata type 1. Last evaluated: 2017-05-10. Review status: no assertion criteria provided. Collection method: clinical testing. Allele origin: unknown. Not counted in ClinVar's aggregate classification.

Literature cited by the submitters: PubMed 12325024 (cited by Women's Health and Genetics/Laboratory Corporation of America, LabCorp and Counsyl).